The following is an entry in ClinVar:

NM_177438.3(DICER1):c.4513T>C (p.Ser1505Pro)

Gene: DICER1 (dicer 1, ribonuclease III; minus strand). Cytogenetic location: 14q32.13.
Variant type: single nucleotide variant.
Coding change: c.4513T>C on transcript NM_177438.3 (MANE Select); coding-DNA position 4513, T replaced by C.
Protein change: p.Ser1505Pro; replaces serine 1505 with proline.
Molecular consequence: missense variant.
Genome position (GRCh38, 1-based): chr14:95,096,407, A>G on the plus strand (T>C on the coding strand, the complement: DICER1 is on the minus strand). VCF-style: chr14-95096407-A-G. GRCh37 (hg19) VCF-style: chr14-95562744-A-G.
Other names: c.4513T>C, p.Ser1505Pro (NM_001291628.2, NM_030621.4, NM_001195573.1 and 1 more transcripts); short protein forms S1505P.
Identifiers: ClinVar variation 860825 (VCV000860825.11), dbSNP rs1329994791, ClinGen allele CA390868017.

ClinVar aggregate classification (germline): Uncertain significance. Review status: criteria provided, multiple submitters, no conflicts (2 of 4 stars). 2 submissions from 2 submitters: Uncertain significance (2). Last evaluated 2025-01-31.

Conditions:
DICER1-related tumor predisposition. Also called: DICER1 syndrome; DICER1-related pleuropulmonary blastoma cancer predisposition syndrome. Identifiers: Orphanet 284343, MedGen C3839822, MONDO:0100216.
Hereditary cancer-predisposing syndrome. Also called: Hereditary neoplastic syndrome; Tumor predisposition; Neoplastic Syndromes, Hereditary; Hereditary Cancer Syndrome. Identifiers: Orphanet 140162, MedGen C0027672, MeSH D009386, MONDO:0015356.

Allele frequency attached by ClinVar (database versions not stated): gnomAD exomes below 0.00001.
gnomAD v4.1: 2 of 1,614,220 alleles (0.00012%); highest among the groups gnomAD compares: Non-Finnish European, 0.000085%; no homozygotes.

Submissions (2):

Labcorp Genetics (formerly Invitae), Labcorp
Classification: Uncertain significance for DICER1-related tumor predisposition. Last evaluated: 2025-01-31. Review status: criteria provided, single submitter. Criteria: Invitae Variant Classification Sherloc (09022015). Collection method: clinical testing. Allele origin: germline.
Comment: This sequence change replaces serine, which is neutral and polar, with proline, which is neutral and non-polar, at codon 1505 of the DICER1 protein (p.Ser1505Pro). This variant is present in population databases (no rsID available, gnomAD no frequency). This variant has not been reported in the literature in individuals affected with DICER1-related conditions. ClinVar contains an entry for this variant (Variation ID: 860825). Invitae Evidence Modeling of protein sequence and biophysical properties (such as structural, functional, and spatial information, amino acid conservation, physicochemical variation, residue mobility, and thermodynamic stability) has been performed for this missense variant. However, the output from this modeling did not meet the statistical confidence thresholds required to predict the impact of this variant on DICER1 protein function. In summary, the available evidence is currently insufficient to determine the role of this variant in disease. Therefore, it has been classified as a Variant of Uncertain Significance.

Ambry Genetics
Classification: Uncertain significance for Hereditary cancer-predisposing syndrome. Last evaluated: 2023-11-15. Review status: criteria provided, single submitter. Criteria: Ambry Variant Classification Scheme 2023. Collection method: clinical testing. Allele origin: germline.
Comment: The p.S1505P variant (also known as c.4513T>C), located in coding exon 22 of the DICER1 gene, results from a T to C substitution at nucleotide position 4513. The serine at codon 1505 is replaced by proline, an amino acid with similar properties. This amino acid position is highly conserved in available vertebrate species. In addition, this alteration is predicted to be deleterious by in silico analysis. Since supporting evidence is limited at this time, the clinical significance of this alteration remains unclear.